The following is an entry in ClinVar:

ClinVar aggregate classification (germline): Uncertain significance (1 of 4 stars; one submission).

Submission:

GeneDx
Classification: Uncertain significance. Last evaluated: 2024-07-31. Review status: criteria provided, single submitter. Criteria: GeneDx Variant Classification Process June 2021. Collection method: clinical testing. Allele origin: germline. Affected: yes.
Comment: Not observed at significant frequency in large population cohorts (gnomAD); In silico analysis supports that this missense variant has a deleterious effect on protein structure/function; Has not been previously published as pathogenic or benign to our knowledge

NM_001010867.4(IBA57):c.389G>T (p.Ser130Ile)

Gene: IBA57 (iron-sulfur cluster assembly factor IBA57; plus strand). Cytogenetic location: 1q42.13.
Variant type: single nucleotide variant.
Coding change: c.389G>T on transcript NM_001010867.4 (MANE Select); coding-DNA position 389, G replaced by T.
Protein change: p.Ser130Ile; replaces serine 130 with isoleucine.
Molecular consequence: missense variant. On other transcripts: 5 prime UTR variant (1).
Genome position (GRCh38, 1-based): chr1:228,174,739, G>T. VCF-style: chr1-228174739-G-T. GRCh37 (hg19) VCF-style: chr1-228362440-G-T.
Other names: c.-191G>T (NM_001310327.2); short protein forms S130I.
Identifiers: ClinVar variation 3602413 (VCV003602413.1).
Genomic context (GRCh38, chr1:228,174,739, plus strand): 5'-TCTCTCCCTGCAGGCTCCAGGAACACTCGGAGGTGTCTGGCTTCCTTCTGGAGTGTGACA[G>T]CTCGGTGCAGGGCGCGCTGCAGAAGCACCTCGCGCTATACAGGATCCGGCGGAAGGTCAC-3'
Protein context (NP_001010867.1, residues 120-140): EVSGFLLECD[Ser130Ile]SVQGALQKHL